The following is an entry in ClinVar:

ClinVar aggregate classification (germline): Pathogenic. Review status: criteria provided, multiple submitters, no conflicts (2 of 4 stars). 2 submissions from 2 submitters: Pathogenic (2). Last evaluated 2024-07-24.

Conditions:
Ataxia-telangiectasia syndrome (AT). Also called: Cerebello-oculocutaneous telangiectasia; Immunodeficiency with ataxia telangiectasia; LOUIS-BAR SYNDROME; ATAXIA-TELANGIECTASIA, COMPLEMENTATION GROUP A; ATAXIA-TELANGIECTASIA, FRESNO VARIANT; Ataxia-telangiectasia, complementation group D. Identifiers: Orphanet 100, MedGen C0004135, MONDO:0008840, OMIM 208900.
Hereditary cancer-predisposing syndrome. Also called: Tumor predisposition; Hereditary neoplastic syndrome; Neoplastic Syndromes, Hereditary; Hereditary Cancer Syndrome. Identifiers: Orphanet 140162, MedGen C0027672, MeSH D009386, MONDO:0015356.

Submissions (2):

Labcorp Genetics (formerly Invitae), Labcorp
Classification: Pathogenic for Ataxia-telangiectasia syndrome. Last evaluated: 2024-07-24. Review status: criteria provided, single submitter. Criteria: Invitae Variant Classification Sherloc (09022015). Collection method: clinical testing. Allele origin: germline.
Comment: This sequence change creates a premature translational stop signal (p.Ile665Hisfs*40) in the ATM gene. It is expected to result in an absent or disrupted protein product. Loss-of-function variants in ATM are known to be pathogenic (PMID: 23807571, 25614872). This variant is not present in population databases (gnomAD no frequency). This variant has not been reported in the literature in individuals affected with ATM-related conditions. ClinVar contains an entry for this variant (Variation ID: 1376389). For these reasons, this variant has been classified as Pathogenic.

Ambry Genetics
Classification: Pathogenic for Hereditary cancer-predisposing syndrome. Last evaluated: 2023-11-07. Review status: criteria provided, single submitter. Criteria: Ambry Variant Classification Scheme 2023. Collection method: clinical testing. Allele origin: germline.
Comment: The c.1992dupC pathogenic mutation, located in coding exon 12 of the ATM gene, results from a duplication of C at nucleotide position 1992, causing a translational frameshift with a predicted alternate stop codon (p.I665Hfs*40). This alteration is expected to result in loss of function by premature protein truncation or nonsense-mediated mRNA decay. As such, this alteration is interpreted as a disease-causing mutation.

Literature cited by the submitters: PubMed 23807571 (cited by Labcorp Genetics (formerly Invitae), Labcorp); PubMed 25614872 (cited by Labcorp Genetics (formerly Invitae), Labcorp).

NM_000051.4(ATM):c.1992dup (p.Ile665fs)

Gene: ATM (ATM serine/threonine kinase; plus strand). Cytogenetic location: 11q22.3.
Variant type: Duplication.
Coding change: c.1992dup on transcript NM_000051.4 (MANE Select); coding-DNA position 1992, one base duplicated (C; older notation c.1992dupC).
Protein change: p.Ile665fs; shifts the reading frame from isoleucine 665.
Molecular consequence: frameshift variant.
Genome position (GRCh38, 1-based): chr11:108,253,907, C duplicated; the last of 2 consecutive C bases (chr11:108,253,906-108,253,907); duplicating either gives the same sequence. VCF-style (leftmost placement, unchanged base first): chr11-108253905-A-AC. GRCh37 (hg19) VCF-style: chr11-108124632-A-AC.
Other names: c.1992dupC (NM_000051.3); c.1992dup, p.Ile665fs (NM_001351834.2); short protein forms I665fs.
Identifiers: ClinVar variation 1376389 (VCV001376389.7), dbSNP rs2135368545, ClinGen allele CA2573146774.